The following is an entry in ClinVar:

NM_000203.5(IDUA):c.910del (p.Val304fs)

Gene: IDUA (alpha-L-iduronidase; plus strand). Cytogenetic location: 4p16.3.
Variant type: Deletion.
Coding change: c.910del on transcript NM_000203.5 (MANE Select); coding-DNA position 910, one base deleted (G; older notation c.910delG).
Protein change: p.Val304fs; shifts the reading frame from valine 304.
Molecular consequence: frameshift variant. On other transcripts: non-coding transcript variant (1).
Genome position (GRCh38, 1-based): chr4:1,002,099, G deleted; the last of 2 consecutive G bases (chr4:1,002,098-1,002,099); deleting either gives the same sequence. VCF-style (leftmost placement, unchanged base first): chr4-1002097-TG-T. GRCh37 (hg19) VCF-style: chr4-995885-TG-T.
Other names: c.514del, p.Val172fs (NM_001363576.1); short protein forms V172fs, V304fs.
Identifiers: ClinVar variation 1070696 (VCV001070696.8), dbSNP rs2153022228, ClinGen allele CA2499217015.

ClinVar aggregate classification (germline): Pathogenic. Review status: criteria provided, multiple submitters, no conflicts (2 of 4 stars). 2 submissions from 2 submitters: Pathogenic (2). Last evaluated 2024-10-02.

Conditions:
Mucopolysaccharidosis type 1. Also called: Mucopolysaccharidosis Type I; IDUA deficiency; MPS I. Identifiers: Orphanet 579, MedGen C0023786, MONDO:0001586.

Submissions (2):

Myriad Genetics, Inc.
Classification: Pathogenic for Mucopolysaccharidosis type 1. Last evaluated: 2024-10-02. Review status: criteria provided, single submitter. Criteria: Myriad Autosomal Dominant, Autosomal Recessive and X-Linked Classification Criteria (2023). Collection method: clinical testing. Allele origin: unknown.
Comment: NM_000203.3(IDUA):c.910delG(V304Wfs*13) is expected to be pathogenic in the context of mucopolysaccharidosis type I. This variant is predicted to lead to an abnormal or absent protein product due to the creation of a premature termination codon in IDUA, a gene where loss-of-function variants are known to be pathogenic. Please note: this variant was assessed in the context of healthy population screening.

Labcorp Genetics (formerly Invitae), Labcorp
Classification: Pathogenic for Mucopolysaccharidosis type 1. Last evaluated: 2023-03-12. Review status: criteria provided, single submitter. Criteria: Invitae Variant Classification Sherloc (09022015). Collection method: clinical testing. Allele origin: germline.
Comment: For these reasons, this variant has been classified as Pathogenic. ClinVar contains an entry for this variant (Variation ID: 1070696). This variant has not been reported in the literature in individuals affected with IDUA-related conditions. This variant is not present in population databases (gnomAD no frequency). This sequence change creates a premature translational stop signal (p.Val304Trpfs*13) in the IDUA gene. It is expected to result in an absent or disrupted protein product. Loss-of-function variants in IDUA are known to be pathogenic (PMID: 11735025, 21480867).

Literature cited by the submitters: PubMed 11735025 (cited by Labcorp Genetics (formerly Invitae), Labcorp); PubMed 21480867 (cited by Labcorp Genetics (formerly Invitae), Labcorp).